The following is an entry in ClinVar:

NM_032048.3(EMILIN2):c.2889C>T (p.Asp963=)

Gene: EMILIN2 (elastin microfibril interfacer 2; plus strand). Cytogenetic location: 18p11.31.
Variant type: single nucleotide variant.
Coding change: c.2889C>T on transcript NM_032048.3 (MANE Select); coding-DNA position 2889, C replaced by T.
Protein change: p.Asp963=; no amino-acid change (aspartic acid 963 retained).
Molecular consequence: synonymous variant.
Genome position (GRCh38, 1-based): chr18:2,913,131, C>T. VCF-style: chr18-2913131-C-T. GRCh37 (hg19) VCF-style: chr18-2913129-C-T.
Identifiers: ClinVar variation 3341754 (VCV003341754.16).

ClinVar aggregate classification (germline): Likely benign (1 of 4 stars; one submission).

gnomAD v4.1: 226 of 1,613,832 alleles (0.014%); highest among the groups gnomAD compares: Middle Eastern, 0.066%; 1 homozygote.

Submission:

CeGaT Center for Human Genetics Tuebingen
Classification: Likely benign. Last evaluated: 2024-08-01. Review status: criteria provided, single submitter. Criteria: CeGaT Center For Human Genetics Tuebingen Variant Classification Criteria Version 2. Collection method: clinical testing. Allele origin: germline. Affected: yes. Observed: 1 variant allele.
Comment: EMILIN2: BP4, BP7